The following is an entry in ClinVar:

NM_138395.4(MARS2):c.1580T>C (p.Val527Ala)

Gene: MARS2 (methionyl-tRNA synthetase 2, mitochondrial; plus strand). Cytogenetic location: 2q33.1.
Variant type: single nucleotide variant.
Coding change: c.1580T>C on transcript NM_138395.4 (MANE Select); coding-DNA position 1580, T replaced by C.
Protein change: p.Val527Ala; replaces valine 527 with alanine.
Molecular consequence: missense variant.
Genome position (GRCh38, 1-based): chr2:197,706,985, T>C. VCF-style: chr2-197706985-T-C. GRCh37 (hg19) VCF-style: chr2-198571709-T-C.
Other names: p.V527A:GTC>GCC; p.Val527Ala; short protein forms V527A.
Identifiers: ClinVar variation 138168 (VCV000138168.17), dbSNP rs141544058, ClinGen allele CA292009.
Genomic context (GRCh38, chr2:197,706,985, plus strand): 5'-GTACTGTGCTTCATGTGGCCTTGGAATGTTTGCGAGTCTTTGGGACTTTGCTGCAGCCTG[T>C]CACCCCAAGCCTAGCTGACAAGCTGCTGTCTAGGCTGGGGGTCTCTGCCTCAGAGAGGAG-3'
Protein context (NP_612404.1, residues 517-537): LRVFGTLLQP[Val527Ala]TPSLADKLLS

ClinVar aggregate classification (germline): Benign. Review status: criteria provided, multiple submitters, no conflicts (2 of 4 stars). 6 submissions from 6 submitters: Benign (5). 1 of the submissions does not count toward it. Last evaluated 2026-02-01.

Conditions:
MARS2-related disorder. Also called: MARS2-related condition.
Spastic ataxia 3. Also called: AUTOSOMAL RECESSIVE SPASTIC ATAXIA WITH LEUKOENCEPHALOPATHY; Ataxia, spastic, 3, autosomal recessive. Identifiers: Orphanet 314603, MedGen C1969645, MONDO:0012664, OMIM 611390.
Combined oxidative phosphorylation defect type 25. Also called: Combined oxidative phosphorylation deficiency 25. Identifiers: Orphanet 447954, MedGen C5567742, MONDO:0014636, OMIM 616430.

Allele frequency attached by ClinVar (database versions not stated): ESP Exome Variant Server 0.00046; gnomAD exomes 0.00214 and 0.01018; gnomAD 0.00387 and 0.00400; ExAC 0.00778; TOPMed 0.00796; 1000 Genomes Project 0.00839; 1000 Genomes Project 30x 0.00921.
gnomAD v4.1: 3,692 of 1,614,174 alleles (0.23%); highest among the groups gnomAD compares: Admixed American, 5.8%; 138 homozygotes.

Submissions (6):

Labcorp Genetics (formerly Invitae), Labcorp
Classification: Benign. Last evaluated: 2026-02-01. Review status: criteria provided, single submitter. Criteria: Invitae Variant Classification Sherloc (09022015). Collection method: clinical testing. Allele origin: germline.

Mayo Clinic Laboratories, Mayo Clinic
Classification: Benign. Last evaluated: 2022-03-23. Review status: criteria provided, single submitter. Criteria: ACMG Guidelines, 2015. Collection method: clinical testing. Allele origin: germline. Observed: 11 variant alleles.

Fulgent Genetics
Classification: Benign for Spastic ataxia 3; Combined oxidative phosphorylation defect type 25. Last evaluated: 2021-08-09. Review status: criteria provided, single submitter. Criteria: ACMG Guidelines, 2015. Collection method: clinical testing. Allele origin: unknown.

GeneDx
Classification: Benign. Last evaluated: 2013-09-18. Review status: criteria provided, single submitter. Criteria: GeneDx Variant Classification (06012015). Collection method: clinical testing. Allele origin: germline. Affected: yes.
Comment: This variant is considered likely benign or benign based on one or more of the following criteria: it is a conservative change, it occurs at a poorly conserved position in the protein, it is predicted to be benign by multiple in silico algorithms, and/or has population frequency not consistent with disease.

Breakthrough Genomics
Classification: Benign. Review status: criteria provided, single submitter. Criteria: ACMG Guidelines, 2015. Collection method: not provided. Allele origin: germline. Inheritance: Autosomal recessive inheritance. Affected: yes.

PreventionGenetics, part of Exact Sciences
Classification: Benign for MARS2-related condition. Last evaluated: 2019-04-15. Review status: no assertion criteria provided. Collection method: clinical testing. Allele origin: germline. Not counted in ClinVar's aggregate classification.
Comment: This variant is classified as benign based on ACMG/AMP sequence variant interpretation guidelines (Richards et al. 2015 PMID: 25741868, with internal and published modifications).